The following is an entry in ClinVar:

NM_001267550.2(TTN):c.101613G>A (p.Arg33871=)

Genes: TTN (titin; minus strand), TTN-AS1 (TTN antisense RNA 1; plus strand). Cytogenetic location: 2q31.2.
Variant type: single nucleotide variant.
Coding change: c.101613G>A on transcript NM_001267550.2 (MANE Select); coding-DNA position 101613, G replaced by A.
Protein change: p.Arg33871=; no amino-acid change (arginine 33871 retained).
Molecular consequence: synonymous variant.
Genome position (GRCh38, 1-based): chr2:178,535,002, C>T on the plus strand (G>A on the coding strand, the complement: TTN is on the minus strand). VCF-style: chr2-178535002-C-T. GRCh37 (hg19) VCF-style: chr2-179399729-C-T.
Other names: c.96690G>A, p.Arg32230= (NM_001256850.1); c.74418G>A, p.Arg24806= (NM_003319.4); c.93909G>A, p.Arg31303= (NM_133378.4); c.74793G>A, p.Arg24931= (NM_133432.3); c.74994G>A, p.Arg24998= (NM_133437.4).
Identifiers: ClinVar variation 212485 (VCV000212485.31), dbSNP rs797046068, ClinGen allele CA207718.
Genomic context (GRCh38, chr2:178,535,002, plus strand): 5'-GATCATAACTAATTCTTCCATGCTTTCAAATGATTCATGGAGGTGTAAGATGTTTCTATG[C>T]CTAGCAATATTCAGAATGGAAATTTCCTTCTTTACCAAAACCTGATCAGTCCCTTTGACT-3'
Protein context (NP_001254479.2, residues 33861-33881): KKEISILNIA[Arg33871=]HRNILHLHES

ClinVar aggregate classification (germline): Conflicting classifications of pathogenicity. Review status: criteria provided, conflicting classifications (1 of 4 stars). 5 submissions from 5 submitters: Uncertain significance (1); Likely benign (4). Last evaluated 2025-11-21.

Conditions:
Cardiovascular phenotype. Identifiers: MedGen CN230736.
Dilated cardiomyopathy 1G (CMD1G). Identifiers: Orphanet 154, MedGen C1858763, MONDO:0011400, OMIM 604145.
Autosomal recessive limb-girdle muscular dystrophy type 2J (LGMDR10). Also called: MUSCULAR DYSTROPHY, LIMB-GIRDLE, AUTOSOMAL RECESSIVE 10; Limb-girdle muscular dystrophy, type 2J. Identifiers: Orphanet 140922, MedGen C1837342, MONDO:0012127, OMIM 608807.

Allele frequency attached by ClinVar (database versions not stated): gnomAD 0.00001; 1000 Genomes Project 30x 0.00016.
gnomAD v4.1: 1 of 1,613,794 alleles (0.000062%); highest among the groups gnomAD compares: South Asian, 0.0011%; no homozygotes.

Submissions (5):

Labcorp Genetics (formerly Invitae), Labcorp
Classification: Likely benign for Dilated cardiomyopathy 1G; Autosomal recessive limb-girdle muscular dystrophy type 2J. Last evaluated: 2025-11-21. Review status: criteria provided, single submitter. Criteria: Invitae Variant Classification Sherloc (09022015). Collection method: clinical testing. Allele origin: germline.

CeGaT Center for Human Genetics Tuebingen
Classification: Likely benign. Last evaluated: 2025-02-01. Review status: criteria provided, single submitter. Criteria: CeGaT Center For Human Genetics Tuebingen Variant Classification Criteria Version 2. Collection method: clinical testing. Allele origin: germline. Affected: yes. Observed: 1 variant allele.
Comment: TTN: BP4, BP7

Ambry Genetics
Classification: Likely benign for Cardiovascular phenotype. Last evaluated: 2022-01-19. Review status: criteria provided, single submitter. Criteria: Ambry Variant Classification Scheme 2023. Collection method: clinical testing. Allele origin: germline.

GeneDx
Classification: Likely benign. Last evaluated: 2021-01-21. Review status: criteria provided, single submitter. Criteria: GeneDx Variant Classification Process June 2021. Collection method: clinical testing. Allele origin: germline. Affected: yes.

Genetic Services Laboratory, University of Chicago
Classification: Uncertain significance. Last evaluated: 2015-01-08. Review status: criteria provided, single submitter. Criteria: ACMG Guidelines, 2015. Collection method: clinical testing. Allele origin: germline.